The following is an entry in ClinVar:

NM_000535.7(PMS2):c.1360C>T (p.Leu454=)

Gene: PMS2 (PMS1 homolog 2, mismatch repair system component; minus strand). Cytogenetic location: 7p22.1.
Variant type: single nucleotide variant.
Coding change: c.1360C>T on transcript NM_000535.7 (MANE Select); coding-DNA position 1360, C replaced by T.
Protein change: p.Leu454=; no amino-acid change (leucine 454 retained).
Molecular consequence: synonymous variant. On other transcripts: non-coding transcript variant (1).
Genome position (GRCh38, 1-based): chr7:5,987,405, G>A on the plus strand (C>T on the coding strand, the complement: PMS2 is on the minus strand). VCF-style: chr7-5987405-G-A. GRCh37 (hg19) VCF-style: chr7-6027036-G-A.
Other names: c.955C>T, p.Leu319= (NM_001322003.2, NM_001322004.2, NM_001322005.2 and 1 more transcripts); c.1204C>T, p.Leu402= (NM_001322006.2); c.1042C>T, p.Leu348= (NM_001322007.2, NM_001322008.2); c.799C>T, p.Leu267= (NM_001322010.2); c.427C>T, p.Leu143= (NM_001322011.2, NM_001322012.2); c.787C>T, p.Leu263= (NM_001322013.2); c.1360C>T, p.Leu454= (NM_001322014.2); c.1051C>T, p.Leu351= (NM_001322015.2).
Identifiers: ClinVar variation 434029 (VCV000434029.21), dbSNP rs1338448094, ClinGen allele CA453746863.

ClinVar aggregate classification (germline): Benign/Likely benign. Review status: criteria provided, multiple submitters, no conflicts (2 of 4 stars). 7 submissions from 7 submitters: Benign (1); Likely benign (5). 1 of the submissions does not count toward it. Last evaluated 2026-03-01.

Conditions:
Lynch syndrome 4 (LYNCH4). Also called: Hereditary non-polyposis colorectal cancer, type 4; Colorectal cancer, hereditary nonpolyposis, type 4. Identifiers: Orphanet 144, MedGen C1838333, MONDO:0013699, OMIM 614337. Disease mechanism: loss of function.
Hereditary nonpolyposis colorectal neoplasms. Identifiers: MedGen C0009405, MeSH D003123.
Hereditary cancer-predisposing syndrome. Also called: Hereditary neoplastic syndrome; Tumor predisposition; Hereditary Cancer Syndrome; Neoplastic Syndromes, Hereditary. Identifiers: Orphanet 140162, MedGen C0027672, MeSH D009386, MONDO:0015356.
Lynch syndrome. Identifiers: Orphanet 144, MedGen C4552100, MONDO:0005835. Disease mechanism: loss of function.
Endometrial carcinoma. Also called: Endometrial carcinoma, somatic. Identifiers: MedGen C0476089, MONDO:0002447, OMIM 608089, HP:0012114.

Allele frequency attached by ClinVar (database versions not stated): gnomAD exomes below 0.00001 and 0.00001; gnomAD 0.00001; TOPMed 0.00003.
gnomAD v4.1: 22 of 1,614,024 alleles (0.0014%); highest among the groups gnomAD compares: South Asian, 0.015%; no homozygotes.

Submissions (7):

CeGaT Center for Human Genetics Tuebingen
Classification: Likely benign. Last evaluated: 2026-03-01. Review status: criteria provided, single submitter. Criteria: CeGaT Center For Human Genetics Tuebingen Variant Classification Criteria Version 2. Collection method: clinical testing. Allele origin: germline. Affected: yes. Observed: 1 variant allele.
Comment: PMS2: BP4, BP7

Center for Genomic Medicine, Rigshospitalet, Copenhagen University Hospital
Classification: Likely benign. Last evaluated: 2025-03-04. Review status: criteria provided, single submitter. Criteria: ACMG Guidelines, 2015. Collection method: clinical testing. Allele origin: germline.

Myriad Genetics, Inc.
Classification: Benign for Lynch syndrome 4. Last evaluated: 2025-01-30. Review status: criteria provided, single submitter. Criteria: Myriad Autosomal Dominant, Autosomal Recessive and X-Linked Classification Criteria (2023). Collection method: clinical testing. Allele origin: unknown.
Comment: This variant is considered benign. This variant is a silent/synonymous amino acid change and it is not expected to impact splicing.

All of Us Research Program, National Institutes of Health
Classification: Likely benign for Lynch syndrome. Last evaluated: 2023-12-18. Review status: criteria provided, single submitter. Criteria: ACMG Guidelines, 2015. Collection method: clinical testing. Allele origin: germline. Inheritance: Autosomal dominant inheritance. Observed: 6 variant alleles, 6 heterozygotes.
Comment: This study involves interpretation of variants in research participants for the purpose of population health screening. Participant phenotype was not available at the time of variant classification. Additional details can be found in publication PMID: 35346344, PMCID: PMC8962531

Labcorp Genetics (formerly Invitae), Labcorp
Classification: Likely benign for Hereditary nonpolyposis colorectal neoplasms. Last evaluated: 2022-10-17. Review status: criteria provided, single submitter. Criteria: Invitae Variant Classification Sherloc (09022015). Collection method: clinical testing. Allele origin: germline.

Ambry Genetics
Classification: Likely benign for Hereditary cancer-predisposing syndrome. Last evaluated: 2018-01-23. Review status: criteria provided, single submitter. Criteria: Ambry Variant Classification Scheme 2023. Collection method: clinical testing. Allele origin: germline.

Department of Pathology and Laboratory Medicine, Sinai Health System
Classification: Likely benign for Endometrial carcinoma. Review status: no assertion criteria provided. Collection method: clinical testing. Allele origin: unknown. Affected: yes. Study: The Canadian Open Genetics Repository (COGR). Not counted in ClinVar's aggregate classification.
Comment: PMS2, EXON11, c.1360C>T, p.Leu454Leu, Predicted Benign (ACMG 4) The PMS2 c.1360C>T variant was not identified in the literature nor was it identified in the COGR, HMGD, Mut, MMR, INSiGHT Colon Cancer or Zheilang Coln Cancer databases. It is not listed in the dbSNP database and no frequency information was provided, thus the prevalence of this variant in the general population could not be determined. The p.Leu454 residue is not conserved in mammals and the variant amino acid Leu is present in mouse and chicken, increasing the likelihood that this variant does not have clinical significance. Computational analyses (PolyPhen-2, SIFT, AlignGVGD, BLOSUM, MutationTaster) do not suggest a high likelihood of impact to the protein. The p.Leu454Leu variant is not expected to have clinical significance because it does not result in a change of amino acid and is not located in a known consensus splice site. In summary, based on the above information, the clinical significance of this variant cannot be determined with certainty at this time although we would lean towards a more benign role for this variant. This variant is classified as predicted benign.